The following is an entry in ClinVar:

NM_001101362.3(KBTBD13):c.329G>A (p.Cys110Tyr)

Gene: KBTBD13 (kelch repeat and BTB domain containing 13; plus strand). Cytogenetic location: 15q22.31.
Variant type: single nucleotide variant.
Coding change: c.329G>A on transcript NM_001101362.3 (MANE Select); coding-DNA position 329, G replaced by A.
Protein change: p.Cys110Tyr; replaces cysteine 110 with tyrosine.
Molecular consequence: missense variant.
Genome position (GRCh38, 1-based): chr15:65,077,144, G>A. VCF-style: chr15-65077144-G-A. GRCh37 (hg19) VCF-style: chr15-65369482-G-A.
Other names: short protein forms C110Y.
Identifiers: ClinVar variation 937805 (VCV000937805.11), dbSNP rs1479308750, ClinGen allele CA392859856.

ClinVar aggregate classification (germline): Benign/Likely benign. Review status: criteria provided, multiple submitters, no conflicts (2 of 4 stars). 2 submissions from 2 submitters: Benign (1); Likely benign (1). Last evaluated 2026-02-01.

Conditions:
Nemaline myopathy 6 (NEM6). Also called: Nemaline myopathy 6, autosomal dominant. Identifiers: Orphanet 171439, MedGen C1836472, MONDO:0012237, OMIM 609273.

Allele frequency attached by ClinVar (database versions not stated): TOPMed 0.00001; gnomAD exomes 0.00002 and 0.00011; gnomAD 0.00003 and 0.00004.
gnomAD v4.1: 27 of 1,515,542 alleles (0.0018%); highest among the groups gnomAD compares: Admixed American, 0.045%; no homozygotes.

Submissions (2):

CeGaT Center for Human Genetics Tuebingen
Classification: Likely benign. Last evaluated: 2026-02-01. Review status: criteria provided, single submitter. Criteria: CeGaT Center For Human Genetics Tuebingen Variant Classification Criteria Version 2. Collection method: clinical testing. Allele origin: germline. Affected: yes. Observed: 1 variant allele.
Comment: KBTBD13: BS2

Labcorp Genetics (formerly Invitae), Labcorp
Classification: Benign for Nemaline myopathy 6. Last evaluated: 2024-11-16. Review status: criteria provided, single submitter. Criteria: Invitae Variant Classification Sherloc (09022015). Collection method: clinical testing. Allele origin: germline.